The following is an entry in ClinVar:

ClinVar aggregate classification (germline): Uncertain significance (1 of 4 stars; one submission).

Submission:

GeneDx
Classification: Uncertain significance. Last evaluated: 2025-01-19. Review status: criteria provided, single submitter. Criteria: GeneDx Variant Classification Process June 2021. Collection method: clinical testing. Allele origin: germline. Affected: yes.
Comment: Not observed at significant frequency in large population cohorts (gnomAD); In silico analysis indicates that this missense variant does not alter protein structure/function; Has not been previously published as pathogenic or benign to our knowledge

NM_014727.3(KMT2B):c.7189C>T (p.Pro2397Ser)

Gene: KMT2B (lysine methyltransferase 2B; plus strand). Cytogenetic location: 19q13.12.
Variant type: single nucleotide variant.
Coding change: c.7189C>T on transcript NM_014727.3 (MANE Select); coding-DNA position 7189, C replaced by T.
Protein change: p.Pro2397Ser; replaces proline 2397 with serine.
Molecular consequence: missense variant.
Genome position (GRCh38, 1-based): chr19:35,736,719, C>T. VCF-style: chr19-35736719-C-T. GRCh37 (hg19) VCF-style: chr19-36227620-C-T.
Other names: short protein forms P2397S.
Identifiers: ClinVar variation 4070684 (VCV004070684.1).
Genomic context (GRCh38, chr19:35,736,719, plus strand): 5'-ATCTTCACTCCAACCTGCTTCTTGGGACCAGGTGAGGCTTCGAGCTCTGAGGAAGAGCCT[C>T]CATCCCCAGATGATAAAGAGAACCAGGCCCCAAAACGGACTGGCCCACATCTGCGCTTCG-3'
Protein context (NP_055542.1, residues 2387-2407): GEASSSEEEP[Pro2397Ser]SPDDKENQAP